The following is an entry in ClinVar:

ClinVar aggregate classification (germline): Uncertain significance. Review status: criteria provided, multiple submitters, no conflicts (2 of 4 stars). 4 submissions from 4 submitters: Uncertain significance (4). Last evaluated 2025-12-24.

Conditions:
Hereditary cancer-predisposing syndrome. Also called: Neoplastic Syndromes, Hereditary; Hereditary Cancer Syndrome; Tumor predisposition; Hereditary neoplastic syndrome. Identifiers: Orphanet 140162, MedGen C0027672, MeSH D009386, MONDO:0015356.
Endometrial carcinoma. Also called: Endometrial carcinoma, somatic. Identifiers: MedGen C0476089, MONDO:0002447, OMIM 608089, HP:0012114.

Allele frequency attached by ClinVar (database versions not stated): gnomAD below 0.00001 and 0.00002; TOPMed 0.00001; ExAC 0.00006; gnomAD exomes 0.00008.
gnomAD v4.1: 80 of 1,614,000 alleles (0.005%); highest among the groups gnomAD compares: South Asian, 0.083%; no homozygotes.

Submissions (4):

Labcorp Genetics (formerly Invitae), Labcorp
Classification: Uncertain significance. Last evaluated: 2025-12-24. Review status: criteria provided, single submitter. Criteria: Invitae Variant Classification Sherloc (09022015). Collection method: clinical testing. Allele origin: germline.
Comment: This sequence change replaces glycine, which is neutral and non-polar, with cysteine, which is neutral and slightly polar, at codon 934 of the MSH3 protein (p.Gly934Cys). This variant is present in population databases (rs752392020, gnomAD 0.06%). This variant has not been reported in the literature in individuals affected with MSH3-related conditions. ClinVar contains an entry for this variant (Variation ID: 852407). An algorithm developed to predict the effect of missense changes on protein structure and function (PolyPhen-2) suggests that this variant is likely to be disruptive. In summary, the available evidence is currently insufficient to determine the role of this variant in disease. Therefore, it has been classified as a Variant of Uncertain Significance.

Ambry Genetics
Classification: Uncertain significance for Hereditary cancer-predisposing syndrome. Last evaluated: 2025-10-08. Review status: criteria provided, single submitter. Criteria: Ambry Variant Classification Scheme 2023. Collection method: clinical testing. Allele origin: germline.

Baylor Genetics
Classification: Uncertain significance for Endometrial carcinoma. Last evaluated: 2024-01-15. Review status: criteria provided, single submitter. Criteria: ACMG Guidelines, 2015. Collection method: clinical testing. Allele origin: unknown.

Sema4
Classification: Uncertain significance for Hereditary cancer-predisposing syndrome. Last evaluated: 2021-11-04. Review status: criteria provided, single submitter. Criteria: Sema4 Curation Guidelines. Collection method: curation. Allele origin: germline.
Comment: The MSH3 c.2800G>T (p.G934C) variant has not been reported in the literature to our knowledge. It was observed in 20/30616 chromosomes of the South Asian subpopulation, with no homozygotes, in the large and broad cohorts of the Genome Aggregation Database (PMID: 32461654). The variant has been reported in ClinVar (Variation ID: 852407). In silico tools suggest the impact of the variant on protein function is deleterious, though these predictions have not been confirmed by functional studies. The evidence is insufficient to meet ACMG/AMP criteria for classifying the variant as benign or pathogenic. Thus, the clinical significance of this variant is currently uncertain.

NM_002439.5(MSH3):c.2800G>T (p.Gly934Cys)

Gene: MSH3 (mutS homolog 3; plus strand). Cytogenetic location: 5q14.1.
Variant type: single nucleotide variant.
Coding change: c.2800G>T on transcript NM_002439.5 (MANE Select); coding-DNA position 2800, G replaced by T.
Protein change: p.Gly934Cys; replaces glycine 934 with cysteine.
Molecular consequence: missense variant.
Genome position (GRCh38, 1-based): chr5:80,813,728, G>T. VCF-style: chr5-80813728-G-T. GRCh37 (hg19) VCF-style: chr5-80109547-G-T.
Other names: short protein forms G934C.
Identifiers: ClinVar variation 852407 (VCV000852407.12), dbSNP rs752392020, ClinGen allele CA3328359.